The following is an entry in ClinVar:

ClinVar aggregate classification (germline): Conflicting classifications of pathogenicity. Review status: criteria provided, conflicting classifications (1 of 4 stars). 2 submissions from 2 submitters: Uncertain significance (1); Likely benign (1). Last evaluated 2025-03-07.

Conditions:
Hereditary cancer-predisposing syndrome. Also called: Neoplastic Syndromes, Hereditary; Hereditary Cancer Syndrome; Tumor predisposition; Hereditary neoplastic syndrome. Identifiers: Orphanet 140162, MedGen C0027672, MeSH D009386, MONDO:0015356.
Ataxia-telangiectasia syndrome (AT). Also called: LOUIS-BAR SYNDROME; Cerebello-oculocutaneous telangiectasia; Immunodeficiency with ataxia telangiectasia; Ataxia-telangiectasia, complementation group D; AT, COMPLEMENTATION GROUP C; Ataxia-telangiectasia, complementation group E. Identifiers: Orphanet 100, MedGen C0004135, MONDO:0008840, OMIM 208900.

Allele frequency attached by ClinVar (database versions not stated): gnomAD exomes 0.00001; TOPMed below 0.00001.
gnomAD v4.1: 9 of 1,611,364 alleles (0.00056%); highest among the groups gnomAD compares: Non-Finnish European, 0.00076%; no homozygotes.

Submissions (2):

Ambry Genetics
Classification: Likely benign for Hereditary cancer-predisposing syndrome. Last evaluated: 2025-03-07. Review status: criteria provided, single submitter. Criteria: Ambry Variant Classification Scheme 2023. Collection method: clinical testing. Allele origin: germline.

Labcorp Genetics (formerly Invitae), Labcorp
Classification: Uncertain significance for Ataxia-telangiectasia syndrome. Last evaluated: 2024-03-06. Review status: criteria provided, single submitter. Criteria: Invitae Variant Classification Sherloc (09022015). Collection method: clinical testing. Allele origin: germline.
Comment: This sequence change replaces asparagine, which is neutral and polar, with aspartic acid, which is acidic and polar, at codon 2435 of the ATM protein (p.Asn2435Asp). This variant is not present in population databases (gnomAD no frequency). This variant has not been reported in the literature in individuals affected with ATM-related conditions. ClinVar contains an entry for this variant (Variation ID: 453672). An algorithm developed to predict the effect of missense changes on protein structure and function (PolyPhen-2) suggests that this variant is likely to be tolerated. Algorithms developed to predict the effect of sequence changes on RNA splicing suggest that this variant may disrupt the consensus splice site. In summary, the available evidence is currently insufficient to determine the role of this variant in disease. Therefore, it has been classified as a Variant of Uncertain Significance.

NM_000051.4(ATM):c.7303A>G (p.Asn2435Asp)

Genes: ATM (ATM serine/threonine kinase; plus strand), C11orf65 (chromosome 11 open reading frame 65; minus strand). Cytogenetic location: 11q22.3.
Variant type: single nucleotide variant.
Coding change: c.7303A>G on transcript NM_000051.4 (MANE Select); coding-DNA position 7303, A replaced by G.
Protein change: p.Asn2435Asp; replaces asparagine 2435 with aspartic acid.
Molecular consequence: missense variant. On other transcripts: intron variant (2).
Genome position (GRCh38, 1-based): chr11:108,329,234, A>G. VCF-style: chr11-108329234-A-G. GRCh37 (hg19) VCF-style: chr11-108199961-A-G.
Other names: c.7303A>G, p.Asn2435Asp (NM_001351834.2); c.641-20163T>C (NM_001330368.2); c.*38+5986T>C (NM_001351110.2); short protein forms N2435D.
Identifiers: ClinVar variation 453672 (VCV000453672.14), dbSNP rs1555122326, ClinGen allele CA382559836.